The following is an entry in ClinVar:

NM_001366006.2(ADGRL2):c.1320A>T (p.Gly440=)

Gene: ADGRL2 (adhesion G protein-coupled receptor L2; plus strand). Cytogenetic location: 1p31.1.
Variant type: single nucleotide variant.
Coding change: c.1320A>T on transcript NM_001366006.2 (MANE Select); coding-DNA position 1320, A replaced by T.
Protein change: p.Gly440=; no amino-acid change (glycine 440 retained).
Molecular consequence: synonymous variant. On other transcripts: non-coding transcript variant (1).
Genome position (GRCh38, 1-based): chr1:81,950,298, A>T. VCF-style: chr1-81950298-A-T. GRCh37 (hg19) VCF-style: chr1-82415982-A-T.
Other names: c.1308A>T, p.Gly436= (NM_001297704.3, NM_001297705.3, NM_001297706.3 and 10 more transcripts); c.1320A>T, p.Gly440= (NM_001350698.2, NM_001366003.2, NM_001366004.2 and 4 more transcripts).
Identifiers: ClinVar variation 3055525 (VCV003055525.2), dbSNP rs138125465, ClinGen allele CA922411.

ClinVar aggregate classification (germline): Benign (0 of 4 stars; one submission).

Conditions:
ADGRL2-related disorder. Also called: ADGRL2-related condition.

Allele frequency attached by ClinVar (database versions not stated): TOPMed 0.01438; 1000 Genomes Project 0.01518; ESP Exome Variant Server 0.01561; 1000 Genomes Project 30x 0.01593; gnomAD 0.01647; ExAC 0.02173; gnomAD exomes 0.02246.
gnomAD v4.1: 35,294 of 1,614,064 alleles (2.2%); highest among the groups gnomAD compares: South Asian, 5.2%; 565 homozygotes.

Submission:

PreventionGenetics, part of Exact Sciences
Classification: Benign for ADGRL2-related condition. Last evaluated: 2019-05-13. Review status: no assertion criteria provided. Collection method: clinical testing. Allele origin: germline.
Comment: This variant is classified as benign based on ACMG/AMP sequence variant interpretation guidelines (Richards et al. 2015 PMID: 25741868, with internal and published modifications).